The following is an entry in ClinVar:

ClinVar aggregate classification (germline): Uncertain significance (1 of 4 stars; one submission).

Conditions:
Immunodeficiency. Identifiers: MedGen C0021051, MONDO:0021094, HP:0002721.

Allele frequency attached by ClinVar (database versions not stated): TOPMed 0.00002; gnomAD 0.00001; ExAC 0.00002.
gnomAD v4.1: 10 of 1,614,048 alleles (0.00062%); highest among the groups gnomAD compares: Admixed American, 0.017%; no homozygotes.

Submission:

Labcorp Genetics (formerly Invitae), Labcorp
Classification: Uncertain significance for Immunodeficiency. Last evaluated: 2026-01-06. Review status: criteria provided, single submitter. Criteria: Invitae Variant Classification Sherloc (09022015). Collection method: clinical testing. Allele origin: germline.
Comment: This sequence change replaces proline, which is neutral and non-polar, with threonine, which is neutral and polar, at codon 1409 of the NFAT5 protein (p.Pro1409Thr). This variant is present in population databases (rs778114906, gnomAD 0.03%). This variant has not been reported in the literature in individuals affected with NFAT5-related conditions. ClinVar contains an entry for this variant (Variation ID: 2146685). An algorithm developed to predict the effect of missense changes on protein structure and function (PolyPhen-2) suggests that this variant is likely to be tolerated. In summary, the available evidence is currently insufficient to determine the role of this variant in disease. Therefore, it has been classified as a Variant of Uncertain Significance.

NM_138713.4(NFAT5):c.4507C>A (p.Pro1503Thr)

Gene: NFAT5 (nuclear factor of activated T cells 5; plus strand). Cytogenetic location: 16q22.1.
Variant type: single nucleotide variant.
Coding change: c.4507C>A on transcript NM_138713.4 (MANE Select); coding-DNA position 4507, C replaced by A.
Protein change: p.Pro1503Thr; replaces proline 1503 with threonine.
Molecular consequence: missense variant.
Genome position (GRCh38, 1-based): chr16:69,695,228, C>A. VCF-style: chr16-69695228-C-A. GRCh37 (hg19) VCF-style: chr16-69729131-C-A.
Other names: c.4504C>A, p.Pro1502Thr (NM_001113178.3); c.3832C>A, p.Pro1278Thr (NM_001367709.1); c.4453C>A, p.Pro1485Thr (NM_006599.4); c.4225C>A, p.Pro1409Thr (NM_138714.4, NM_173214.3, NM_173215.3); short protein forms P1485T, P1502T, P1278T, P1409T, P1503T.
Identifiers: ClinVar variation 2146685 (VCV002146685.4), dbSNP rs778114906, ClinGen allele CA8136076.